The following is an entry in ClinVar:

ClinVar aggregate classification (germline): Uncertain significance (1 of 4 stars; one submission).

Conditions:
Cardiovascular phenotype. Identifiers: MedGen CN230736.
Hereditary cancer-predisposing syndrome. Also called: Neoplastic Syndromes, Hereditary; Tumor predisposition; Hereditary Cancer Syndrome; Hereditary neoplastic syndrome. Identifiers: Orphanet 140162, MedGen C0027672, MeSH D009386, MONDO:0015356.

Submission:

Ambry Genetics
Classification: Uncertain significance for Cardiovascular phenotype; Hereditary cancer-predisposing syndrome. Last evaluated: 2025-10-01. Review status: criteria provided, single submitter. Criteria: Ambry Variant Classification Scheme 2023. Collection method: clinical testing. Allele origin: germline.
Comment: The p.E488K variant (also known as c.1462G>A), located in coding exon 14 of the LZTR1 gene, results from a G to A substitution at nucleotide position 1462. The glutamic acid at codon 488 is replaced by lysine, an amino acid with similar properties. This amino acid position is conserved. In addition, this alteration is predicted to be tolerated by in silico analysis. Based on the available evidence, the clinical significance of this variant remains unclear.

NM_006767.4(LZTR1):c.1462G>A (p.Glu488Lys)

Gene: LZTR1 (leucine zipper like post translational regulator 1; plus strand). Cytogenetic location: 22q11.21.
Variant type: single nucleotide variant.
Coding change: c.1462G>A on transcript NM_006767.4 (MANE Select); coding-DNA position 1462, G replaced by A.
Protein change: p.Glu488Lys; replaces glutamic acid 488 with lysine.
Molecular consequence: missense variant.
Genome position (GRCh38, 1-based): chr22:20,994,116, G>A. VCF-style: chr22-20994116-G-A. GRCh37 (hg19) VCF-style: chr22-21348405-G-A.
Other names: short protein forms E488K.
Identifiers: ClinVar variation 4615622 (VCV004615622.1).